The following is an entry in ClinVar:

ClinVar aggregate classification (germline): Uncertain significance (1 of 4 stars; one submission).

Conditions:
Luscan-Lumish syndrome. Identifiers: Orphanet 597738, MedGen C4085873, MONDO:0014791, OMIM 616831.

Allele frequency attached by ClinVar (database versions not stated): gnomAD exomes below 0.00001; TOPMed below 0.00001.

Submission:

Labcorp Genetics (formerly Invitae), Labcorp
Classification: Uncertain significance for Luscan-Lumish syndrome. Last evaluated: 2021-04-17. Review status: criteria provided, single submitter. Criteria: Invitae Variant Classification Sherloc (09022015). Collection method: clinical testing. Allele origin: germline.
Comment: In summary, the available evidence is currently insufficient to determine the role of this variant in disease. Therefore, it has been classified as a Variant of Uncertain Significance. Algorithms developed to predict the effect of missense changes on protein structure and function are either unavailable or do not agree on the potential impact of this missense change (SIFT: "Tolerated"; PolyPhen-2: "Possibly Damaging"; Align-GVGD: "Class C0"). This variant has not been reported in the literature in individuals with SETD2-related conditions. This variant is not present in population databases (ExAC no frequency). This sequence change replaces serine with asparagine at codon 701 of the SETD2 protein (p.Ser701Asn). The serine residue is moderately conserved and there is a small physicochemical difference between serine and asparagine.

NM_014159.7(SETD2):c.2102G>A (p.Ser701Asn)

Gene: SETD2 (SET domain containing 2, histone lysine methyltransferase; minus strand). Cytogenetic location: 3p21.31.
Variant type: single nucleotide variant.
Coding change: c.2102G>A on transcript NM_014159.7 (MANE Select); coding-DNA position 2102, G replaced by A.
Protein change: p.Ser701Asn; replaces serine 701 with asparagine.
Molecular consequence: missense variant. On other transcripts: non-coding transcript variant (1).
Genome position (GRCh38, 1-based): chr3:47,122,534, C>T on the plus strand (G>A on the coding strand, the complement: SETD2 is on the minus strand). VCF-style: chr3-47122534-C-T. GRCh37 (hg19) VCF-style: chr3-47164024-C-T.
Other names: c.1970G>A, p.Ser657Asn (NM_001349370.3); short protein forms S657N, S701N.
Identifiers: ClinVar variation 1439481 (VCV001439481.8), dbSNP rs2043141448, ClinGen allele CA352527873.